The following is an entry in ClinVar:

NM_001276270.2(MBD4):c.1680T>C (p.Tyr560=)

Gene: MBD4 (methyl-CpG binding domain 4, DNA glycosylase; minus strand). Cytogenetic location: 3q21.3.
Variant type: single nucleotide variant.
Coding change: c.1680T>C on transcript NM_001276270.2 (MANE Select); coding-DNA position 1680, T replaced by C.
Protein change: p.Tyr560=; no amino-acid change (tyrosine 560 retained).
Molecular consequence: synonymous variant. On other transcripts: 3 prime UTR variant (1).
Genome position (GRCh38, 1-based): chr3:129,431,546, A>G on the plus strand (T>C on the coding strand, the complement: MBD4 is on the minus strand). VCF-style: chr3-129431546-A-G. GRCh37 (hg19) VCF-style: chr3-129150389-A-G.
Other names: c.*22T>C (NM_001276272.2); c.744T>C, p.Tyr248= (NM_001276273.2); c.1698T>C, p.Tyr566= (NM_003925.3).
Identifiers: ClinVar variation 3543806 (VCV003543806.4).
Genomic context (GRCh38, chr3:129,431,546, plus strand): 5'-TGAAAGCTGCAGAGTTTAAGATAGACTTAATTTTTCATGATTTTCCCAAAGCCAGTCATG[A>G]TATTTATTTAATTTGTGGTCTTCAGGGTGCACCTGGAAGAAACATAAGATACAGAGGCAG-3'
Protein context (NP_001263199.1, residues 550-570): VHPEDHKLNK[Tyr560=]HDWLWENHEK

ClinVar aggregate classification (germline): Benign/Likely benign. Review status: criteria provided, multiple submitters, no conflicts (2 of 4 stars). 3 submissions from 3 submitters: Benign (1); Likely benign (2). Last evaluated 2026-06-12.

Conditions:
Tumor predisposition syndrome 2 (TPDS2). Also called: MBD4-ASSOCIATED NEOPLASIA SYNDROME; MBD4-Related Tumor Predisposition Syndrome; MBD4-associated neoplasia syndrome (MANS). Identifiers: Orphanet 661526, MedGen C5774186, MONDO:0859267, OMIM 619975.
Inborn genetic diseases. Identifiers: MedGen C0950123, MeSH D030342.

gnomAD v4.1: 1 of 1,613,338 alleles (0.000062%); highest among the groups gnomAD compares: East Asian, 0.0022%; no homozygotes.

Submissions (3):

Myriad Genetics, Inc.
Classification: Benign for Tumor predisposition syndrome 2. Last evaluated: 2026-06-12. Review status: criteria provided, single submitter. Criteria: Myriad Autosomal Dominant, Autosomal Recessive and X-Linked Classification Criteria (2023). Collection method: clinical testing. Allele origin: unknown.
Comment: This variant is considered benign. This variant is a silent/synonymous amino acid change and it is not expected to impact splicing.

Labcorp Genetics (formerly Invitae), Labcorp
Classification: Likely benign. Last evaluated: 2025-07-02. Review status: criteria provided, single submitter. Criteria: Invitae Variant Classification Sherloc (09022015). Collection method: clinical testing. Allele origin: germline.

Ambry Genetics
Classification: Likely benign for Inborn genetic diseases. Last evaluated: 2024-12-08. Review status: criteria provided, single submitter. Criteria: Ambry Variant Classification Scheme 2023. Collection method: clinical testing. Allele origin: germline.